The following is an entry in ClinVar:

ClinVar aggregate classification (germline): Conflicting classifications of pathogenicity. Review status: criteria provided, conflicting classifications (1 of 4 stars). 2 submissions from 2 submitters: Uncertain significance (1); Likely benign (1). Last evaluated 2025-08-25.

gnomAD v4.1: 1 of 1,614,074 alleles (0.000062%); highest among the groups gnomAD compares: Non-Finnish European, 0.000085%; no homozygotes.

Submissions (2):

Ambry Genetics
Classification: Likely benign. Last evaluated: 2025-08-25. Review status: criteria provided, single submitter. Criteria: Ambry Variant Classification Scheme 2023. Collection method: clinical testing. Allele origin: germline.

Labcorp Genetics (formerly Invitae), Labcorp
Classification: Uncertain significance. Last evaluated: 2023-12-15. Review status: criteria provided, single submitter. Criteria: Invitae Variant Classification Sherloc (09022015). Collection method: clinical testing. Allele origin: germline.
Comment: This sequence change replaces isoleucine, which is neutral and non-polar, with phenylalanine, which is neutral and non-polar, at codon 58 of the ADGRE2 protein (p.Ile58Phe). This variant is not present in population databases (gnomAD no frequency). This variant has not been reported in the literature in individuals affected with ADGRE2-related conditions. Algorithms developed to predict the effect of missense changes on protein structure and function output the following: SIFT: "Not Available"; PolyPhen-2: "Benign"; Align-GVGD: "Not Available". The phenylalanine amino acid residue is found in multiple mammalian species, which suggests that this missense change does not adversely affect protein function. In summary, the available evidence is currently insufficient to determine the role of this variant in disease. Therefore, it has been classified as a Variant of Uncertain Significance.

NM_013447.4(ADGRE2):c.172A>T (p.Ile58Phe)

Gene: ADGRE2 (adhesion G protein-coupled receptor E2; minus strand). Cytogenetic location: 19p13.12.
Variant type: single nucleotide variant.
Coding change: c.172A>T on transcript NM_013447.4 (MANE Select); coding-DNA position 172, A replaced by T.
Protein change: p.Ile58Phe; replaces isoleucine 58 with phenylalanine.
Molecular consequence: missense variant.
Genome position (GRCh38, 1-based): chr19:14,773,965, T>A on the plus strand (A>T on the coding strand, the complement: ADGRE2 is on the minus strand). VCF-style: chr19-14773965-T-A. GRCh37 (hg19) VCF-style: chr19-14884777-T-A.
Other names: c.172A>T, p.Ile58Phe (NM_001271052.1, NM_152916.2, NM_152917.2); c.172A>T (NM_013447.2); short protein forms I58F.
Identifiers: ClinVar variation 2703378 (VCV002703378.4), dbSNP rs770372103, ClinGen allele CA404465294.